The following is an entry in ClinVar:

NM_001734.5(C1S):c.517G>A (p.Val173Ile)

Gene: C1S (complement C1s; plus strand). Cytogenetic location: 12p13.31.
Variant type: single nucleotide variant.
Coding change: c.517G>A on transcript NM_001734.5 (MANE Select); coding-DNA position 517, G replaced by A.
Protein change: p.Val173Ile; replaces valine 173 with isoleucine.
Molecular consequence: missense variant.
Genome position (GRCh38, 1-based): chr12:7,064,392, G>A. VCF-style: chr12-7064392-G-A. GRCh37 (hg19) VCF-style: chr12-7171696-G-A.
Other names: c.16G>A, p.Val6Ile (NM_001346850.2); c.517G>A, p.Val173Ile (NM_201442.4); short protein forms V173I, V6I.
Identifiers: ClinVar variation 4998628 (VCV004998628.1).
Genomic context (GRCh38, chr12:7,064,392, plus strand): 5'-GGTTACTTCTGCTCCTGCCCCCCGGAATATTTCCTCCATGATGACATGAAGAATTGCGGA[G>A]GTGAGCTTGGTGTTAAGAGGGTTGCATGTTCCCTGGGATTTGGAATGGCTGAGGCCTCAG-3'
Protein context (NP_001725.1, residues 163-183): FLHDDMKNCG[Val173Ile]NCSGDVFTAL

ClinVar aggregate classification (germline): Uncertain significance (1 of 4 stars; one submission).

Conditions:
C1S-related disorder. Also called: C1S-related condition.

Submission:

PreventionGenetics, part of Exact Sciences
Classification: Uncertain significance for C1S-related condition. Last evaluated: 2025-04-09. Review status: criteria provided, single submitter. Criteria: ACMG Guidelines, 2015. Collection method: clinical testing. Allele origin: germline.
Comment: The C1S c.517G>A variant is predicted to result in the amino acid substitution p.Val173Ile. To our knowledge, this variant has not been reported in the literature or in a large population database (gnomAD), indicating this variant is rare. At this time, the clinical significance of this variant is uncertain due to the absence of conclusive functional and genetic evidence.